The following is an entry in ClinVar:

ClinVar aggregate classification (germline): Benign (1 of 4 stars; one submission).

Allele frequency attached by ClinVar (database versions not stated): 1000 Genomes Project 30x 0.34853; 1000 Genomes Project 0.35104; TOPMed 0.35689; gnomAD 0.37730 and 0.37877.
gnomAD v4.1: 57,728 of 151,766 alleles (38%); highest among the groups gnomAD compares: South Asian, 47%; 11,774 homozygotes.

Submission:

GeneDx
Classification: Benign. Last evaluated: 2018-06-19. Review status: criteria provided, single submitter. Criteria: GeneDx Variant Classification (06012015). Collection method: clinical testing. Allele origin: germline. Affected: yes.
Comment: This variant is considered likely benign or benign based on one or more of the following criteria: it is a conservative change, it occurs at a poorly conserved position in the protein, it is predicted to be benign by multiple in silico algorithms, and/or has population frequency not consistent with disease.

NM_022132.5(MCCC2):c.739-262C>T

Gene: MCCC2 (methylcrotonyl-CoA carboxylase subunit 2; plus strand). Cytogenetic location: 5q13.2.
Variant type: single nucleotide variant.
Coding change: c.739-262C>T on transcript NM_022132.5 (MANE Select); 262 bases into the intron before coding-DNA position 739, C replaced by T.
Molecular consequence: intron variant.
Genome position (GRCh38, 1-based): chr5:71,631,859, C>T. VCF-style: chr5-71631859-C-T. GRCh37 (hg19) VCF-style: chr5-70927686-C-T.
Other names: c.625-262C>T (NM_001363147.1).
Identifiers: ClinVar variation 684218 (VCV000684218.1), dbSNP rs277979, ClinGen allele CA11932560.